The following is an entry in ClinVar:

ClinVar aggregate classification (germline): Uncertain significance (1 of 4 stars; one submission).

Submission:

Labcorp Genetics (formerly Invitae), Labcorp
Classification: Uncertain significance for Ehlers-Danlos syndrome progeroid type. Last evaluated: 2024-02-11. Review status: criteria provided, single submitter. Criteria: Invitae Variant Classification Sherloc (09022015). Collection method: clinical testing. Allele origin: germline.
Comment: This sequence change replaces phenylalanine, which is neutral and non-polar, with leucine, which is neutral and non-polar, at codon 44 of the B4GALT7 protein (p.Phe44Leu). This variant is present in population databases (rs754884091, gnomAD 0.01%). This variant has not been reported in the literature in individuals affected with B4GALT7-related conditions. Algorithms developed to predict the effect of missense changes on protein structure and function output the following: SIFT: "Not Available"; PolyPhen-2: "Benign"; Align-GVGD: "Not Available". The leucine amino acid residue is found in multiple mammalian species, which suggests that this missense change does not adversely affect protein function. In summary, the available evidence is currently insufficient to determine the role of this variant in disease. Therefore, it has been classified as a Variant of Uncertain Significance.

NM_007255.3(B4GALT7):c.130T>C (p.Phe44Leu)

Gene: B4GALT7 (beta-1,4-galactosyltransferase 7; plus strand). Cytogenetic location: 5q35.3.
Variant type: single nucleotide variant.
Coding change: c.130T>C on transcript NM_007255.3 (MANE Select); coding-DNA position 130, T replaced by C.
Protein change: p.Phe44Leu; replaces phenylalanine 44 with leucine.
Molecular consequence: missense variant.
Genome position (GRCh38, 1-based): chr5:177,604,258, T>C. VCF-style: chr5-177604258-T-C. GRCh37 (hg19) VCF-style: chr5-177031259-T-C.
Other names: short protein forms F44L.
Identifiers: ClinVar variation 3605690 (VCV003605690.1).